The following is an entry in ClinVar:

ClinVar aggregate classification (germline): Conflicting classifications of pathogenicity. Review status: criteria provided, conflicting classifications (1 of 4 stars). 4 submissions from 4 submitters: Uncertain significance (1); Likely benign (2). 1 of the submissions does not count toward it. Last evaluated 2026-01-26.

Conditions:
KCNQ5-related disorder. Also called: KCNQ5-related condition.
Intellectual developmental disorder, autosomal dominant 46. Also called: Intellectual disability, autosomal dominant 46; MENTAL RETARDATION, AUTOSOMAL DOMINANT 46. Identifiers: MedGen C4539851, MONDO:0030911, OMIM 617601.

Allele frequency attached by ClinVar (database versions not stated): gnomAD 0.00013 and 0.00014; ExAC 0.00011; gnomAD exomes 0.00012 and 0.00016; TOPMed 0.00015.
gnomAD v4.1: 249 of 1,594,706 alleles (0.016%); highest among the groups gnomAD compares: Admixed American, 0.023%; no homozygotes.

Submissions (4):

Labcorp Genetics (formerly Invitae), Labcorp
Classification: Likely benign. Last evaluated: 2026-01-26. Review status: criteria provided, single submitter. Criteria: Invitae Variant Classification Sherloc (09022015). Collection method: clinical testing. Allele origin: germline.

Blueprint Genetics
Classification: Likely benign. Last evaluated: 2024-11-22. Review status: criteria provided, single submitter. Criteria: ACMG Guidelines, 2015. Collection method: clinical testing. Allele origin: germline.

Baylor Genetics
Classification: Uncertain significance for Intellectual developmental disorder, autosomal dominant 46. Last evaluated: 2018-03-15. Review status: criteria provided, single submitter. Criteria: ACMG Guidelines, 2015. Collection method: clinical testing. Allele origin: paternal. Affected: yes.
Comment: This variant was determined to be of uncertain significance according to ACMG Guidelines, 2015 [PMID:25741868].

PreventionGenetics, part of Exact Sciences
Classification: Likely benign for KCNQ5-related condition. Last evaluated: 2023-10-25. Review status: no assertion criteria provided. Collection method: clinical testing. Allele origin: germline. Not counted in ClinVar's aggregate classification.
Comment: This variant is classified as likely benign based on ACMG/AMP sequence variant interpretation guidelines (Richards et al. 2015 PMID: 25741868, with internal and published modifications).

NM_019842.4(KCNQ5):c.1575C>A (p.Ile525=)

Gene: KCNQ5 (potassium voltage-gated channel subfamily Q member 5; plus strand). Cytogenetic location: 6q13.
Variant type: single nucleotide variant.
Coding change: c.1575C>A on transcript NM_019842.4 (MANE Select); coding-DNA position 1575, C replaced by A.
Protein change: p.Ile525=; no amino-acid change (isoleucine 525 retained).
Molecular consequence: synonymous variant. On other transcripts: intron variant (1).
Genome position (GRCh38, 1-based): chr6:73,169,852, C>A. VCF-style: chr6-73169852-C-A. GRCh37 (hg19) VCF-style: chr6-73879575-C-A.
Other names: c.1548C>A, p.Ile516= (NM_001160130.2); c.1605C>A, p.Ile535= (NM_001160132.2); c.1632C>A, p.Ile544= (NM_001160133.2); c.1248-20721C>A (NM_001160134.2).
Identifiers: ClinVar variation 1033745 (VCV001033745.11), dbSNP rs777386945, ClinGen allele CA3887090.